The following is an entry in ClinVar:

NM_033305.3(VPS13A):c.7804C>G (p.Pro2602Ala)

Gene: VPS13A (vacuolar protein sorting 13 homolog A; plus strand). Cytogenetic location: 9q21.2.
Variant type: single nucleotide variant.
Coding change: c.7804C>G on transcript NM_033305.3 (MANE Select); coding-DNA position 7804, C replaced by G.
Protein change: p.Pro2602Ala; replaces proline 2602 with alanine.
Molecular consequence: missense variant.
Genome position (GRCh38, 1-based): chr9:77,356,865, C>G. VCF-style: chr9-77356865-C-G. GRCh37 (hg19) VCF-style: chr9-79971781-C-G.
Other names: c.7687C>G, p.Pro2563Ala (NM_001018037.2); c.7804C>G, p.Pro2602Ala (NM_001018038.3, NM_015186.4); short protein forms P2563A, P2602A.
Identifiers: ClinVar variation 2029408 (VCV002029408.1), dbSNP rs147169859, ClinGen allele CA5093425.

ClinVar aggregate classification (germline): Uncertain significance (1 of 4 stars; one submission).

Allele frequency attached by ClinVar (database versions not stated): gnomAD 0.00004.
gnomAD v4.1: 31 of 1,613,412 alleles (0.0019%); highest among the groups gnomAD compares: Non-Finnish European, 0.0025%; no homozygotes.

Submission:

Labcorp Genetics (formerly Invitae), Labcorp
Classification: Uncertain significance. Last evaluated: 2022-07-26. Review status: criteria provided, single submitter. Criteria: Invitae Variant Classification Sherloc (09022015). Collection method: clinical testing. Allele origin: germline.
Comment: This sequence change replaces proline, which is neutral and non-polar, with alanine, which is neutral and non-polar, at codon 2602 of the VPS13A protein (p.Pro2602Ala). This variant is present in population databases (rs147169859, gnomAD 0.007%). This variant has not been reported in the literature in individuals affected with VPS13A-related conditions. Algorithms developed to predict the effect of missense changes on protein structure and function (SIFT, PolyPhen-2, Align-GVGD) all suggest that this variant is likely to be tolerated. Algorithms developed to predict the effect of sequence changes on RNA splicing suggest that this variant may disrupt the consensus splice site. In summary, the available evidence is currently insufficient to determine the role of this variant in disease. Therefore, it has been classified as a Variant of Uncertain Significance.